The following is an entry in ClinVar:

NM_001848.3(COL6A1):c.958-2A>G

Gene: COL6A1 (collagen type VI alpha 1 chain; plus strand). Cytogenetic location: 21q22.3.
Variant type: single nucleotide variant.
Coding change: c.958-2A>G on transcript NM_001848.3 (MANE Select); the canonical splice acceptor site of the intron before coding-DNA position 958, A replaced by G.
Molecular consequence: splice acceptor variant.
Genome position (GRCh38, 1-based): chr21:45,990,376, A>G. VCF-style: chr21-45990376-A-G. GRCh37 (hg19) VCF-style: chr21-47410290-A-G.
Identifiers: ClinVar variation 542991 (VCV000542991.12), dbSNP rs1556425717, ClinGen allele CA410522581.

ClinVar aggregate classification (germline): Pathogenic. Review status: criteria provided, single submitter (1 of 4 stars). 2 submissions from 2 submitters: Pathogenic (1). 1 of the submissions does not count toward it. Last evaluated 2025-03-04.

Conditions:
Bethlem myopathy 1A. Also called: MYOPATHY, BENIGN CONGENITAL, WITH CONTRACTURES; Bethlem Muscular Dystrophy; Bethlem myopathy 1. Identifiers: Orphanet 610, MedGen CN029274, MONDO:0024530, OMIM 158810.

Submissions (2):

Labcorp Genetics (formerly Invitae), Labcorp
Classification: Pathogenic for Bethlem myopathy 1A. Last evaluated: 2025-03-04. Review status: criteria provided, single submitter. Criteria: Invitae Variant Classification Sherloc (09022015). Collection method: clinical testing. Allele origin: germline.
Comment: This sequence change affects an acceptor splice site in intron 12 of the COL6A1 gene. It is expected to disrupt RNA splicing. Variants that disrupt the donor or acceptor splice site typically lead to a loss of protein function (PMID: 16199547), and loss-of-function variants in COL6A1 are known to be disease-causing for autosomal recessive COL6A1-related conditions (PMID: 21280092, 20976770). However, certain variants affecting donor or acceptor splice sites in the triple helical domain of COL6A1 are expected to result in in-frame exon skipping and have been reported to cause autosomal dominant COL6A1-related conditions (PMID: 18366090). This variant is not present in population databases (gnomAD no frequency). Disruption of this splice site has been observed in individual(s) with Ullrich congenital muscular dystrophy (PMID: 29406609). In at least one individual the variant was observed to be de novo. ClinVar contains an entry for this variant (Variation ID: 542991). Algorithms developed to predict the effect of sequence changes on RNA splicing suggest that this variant may disrupt the consensus splice site. For these reasons, this variant has been classified as Pathogenic.

Solve-RD Consortium
Classification: Likely pathogenic for Bethlem myopathy 1A. Last evaluated: 2022-06-01. Review status: no assertion criteria provided. Collection method: provider interpretation. Allele origin: inherited. Affected: yes. Not counted in ClinVar's aggregate classification.
Comment: Variant confirmed as disease-causing by referring clinical team

Variant identified during reanalysis of unsolved cases by the Solve-RD project. The Solve-RD project has received funding from the European Union’s Horizon 2020 research and innovation programme under grant agreement No 779257.

Literature cited by the submitters: PubMed 16199547 (cited by Labcorp Genetics (formerly Invitae), Labcorp); PubMed 21280092 (cited by Labcorp Genetics (formerly Invitae), Labcorp); PubMed 20976770 (cited by Labcorp Genetics (formerly Invitae), Labcorp); PubMed 18366090 (cited by Labcorp Genetics (formerly Invitae), Labcorp); PubMed 29406609 (cited by Labcorp Genetics (formerly Invitae), Labcorp); PubMed 39825153 (cited by Solve-RD Consortium).